The following is an entry in ClinVar:

ClinVar aggregate classification (germline): Uncertain significance (1 of 4 stars; one submission).

Allele frequency attached by ClinVar (database versions not stated): gnomAD exomes 0.00001; TOPMed 0.00001; ExAC 0.00002; gnomAD 0.00002; ESP Exome Variant Server 0.00015.
gnomAD v4.1: 6 of 1,614,062 alleles (0.00037%); highest among the groups gnomAD compares: African/African-American, 0.0067%; no homozygotes.

Submission:

Ambry Genetics
Classification: Uncertain significance. Last evaluated: 2024-02-28. Review status: criteria provided, single submitter. Criteria: Ambry Variant Classification Scheme 2023. Collection method: clinical testing. Allele origin: germline.
Comment: The p.K1712R variant (also known as c.5135A>G), located in coding exon 4 of the ALPK2 gene, results from an A to G substitution at nucleotide position 5135. The lysine at codon 1712 is replaced by arginine, an amino acid with highly similar properties. This amino acid position is conserved. In addition, this alteration is predicted to be tolerated by in silico analysis. Since supporting evidence is limited at this time, the clinical significance of this alteration remains unclear.

NM_052947.4(ALPK2):c.5135A>G (p.Lys1712Arg)

Genes: ALPK2 (alpha kinase 2; minus strand), LOC130062577 (ATAC-STARR-seq lymphoblastoid active region 13389; plus strand). Cytogenetic location: 18q21.31.
Variant type: single nucleotide variant.
Coding change: c.5135A>G on transcript NM_052947.4 (MANE Select); coding-DNA position 5135, A replaced by G.
Protein change: p.Lys1712Arg; replaces lysine 1712 with arginine.
Molecular consequence: missense variant.
Genome position (GRCh38, 1-based): chr18:58,535,052, T>C on the plus strand (A>G on the coding strand, the complement: ALPK2 is on the minus strand). VCF-style: chr18-58535052-T-C. GRCh37 (hg19) VCF-style: chr18-56202284-T-C.
Other names: short protein forms K1712R.
Identifiers: ClinVar variation 1745568 (VCV001745568.2), dbSNP rs139735253, ClinGen allele CA8976571.